The following is an entry in ClinVar:

ClinVar aggregate classification (germline): Pathogenic (1 of 4 stars; one submission).

Conditions:
Primary ciliary dyskinesia. Also called: Ciliary dyskinesia. Identifiers: Orphanet 244, MedGen C0008780, MONDO:0016575, HP:0012265.

Submission:

Labcorp Genetics (formerly Invitae), Labcorp
Classification: Pathogenic for Primary ciliary dyskinesia. Last evaluated: 2023-08-31. Review status: criteria provided, single submitter. Criteria: Invitae Variant Classification Sherloc (09022015). Collection method: clinical testing. Allele origin: germline.
Comment: This sequence change creates a premature translational stop signal (p.Thr536Profs*44) in the DNAAF1 gene. It is expected to result in an absent or disrupted protein product. Loss-of-function variants in DNAAF1 are known to be pathogenic (PMID: 19944400, 19944405). This variant is not present in population databases (gnomAD no frequency). For these reasons, this variant has been classified as Pathogenic. ClinVar contains an entry for this variant (Variation ID: 2152858). This variant has not been reported in the literature in individuals affected with DNAAF1-related conditions.

Literature cited by the submitters: PubMed 19944400; PubMed 19944405.

NM_178452.6(DNAAF1):c.1606del (p.Thr536fs)

Gene: DNAAF1 (dynein axonemal assembly factor 1; plus strand). Cytogenetic location: 16q24.1.
Variant type: Deletion.
Coding change: c.1606del on transcript NM_178452.6 (MANE Select); coding-DNA position 1606, one base deleted (A; older notation c.1606delA).
Protein change: p.Thr536fs; shifts the reading frame from threonine 536.
Molecular consequence: frameshift variant.
Genome position (GRCh38, 1-based): chr16:84,172,337, A deleted; the last of 3 consecutive A bases (chr16:84,172,335-84,172,337); deleting any one gives the same sequence. VCF-style (leftmost placement, unchanged base first): chr16-84172334-GA-G. GRCh37 (hg19) VCF-style: chr16-84205940-GA-G.
Other names: c.898del, p.Thr300fs (NM_001318756.1); short protein forms T536fs, T300fs.
Identifiers: ClinVar variation 2152858 (VCV002152858.4), dbSNP rs2507492334, ClinGen allele CA2580092186.